The following is an entry in ClinVar:

NM_178014.4(TUBB):c.1201G>A (p.Glu401Lys)

Gene: TUBB (tubulin beta class I; plus strand). Cytogenetic location: 6p21.33.
Variant type: single nucleotide variant.
Coding change: c.1201G>A on transcript NM_178014.4 (MANE Select); coding-DNA position 1201, G replaced by A.
Protein change: p.Glu401Lys; replaces glutamic acid 401 with lysine.
Molecular consequence: missense variant. On other transcripts: non-coding transcript variant (1).
Genome position (GRCh38, 1-based): chr6:30,724,263, G>A. VCF-style: chr6-30724263-G-A. GRCh37 (hg19) VCF-style: chr6-30692040-G-A.
Other names: c.1261G>A, p.Glu421Lys (NM_001293212.2); c.595G>A, p.Glu199Lys (NM_001293213.2); c.1069G>A, p.Glu357Lys (NM_001293214.2); c.985G>A, p.Glu329Lys (NM_001293215.2, NM_001293216.2); c.1201G>A (NM_178014.3); short protein forms E401K, E357K, E329K, E421K, E199K.
Identifiers: ClinVar variation 127191 (VCV000127191.9), dbSNP rs587777357, ClinGen allele CA151417.

ClinVar aggregate classification (germline): Pathogenic. Review status: criteria provided, multiple submitters, no conflicts (2 of 4 stars). 6 submissions from 6 submitters: Pathogenic (5). 1 of the submissions does not count toward it. Last evaluated 2024-04-23.

Conditions:
Inborn genetic diseases. Identifiers: MedGen C0950123, MeSH D030342.
Skin creases, congenital symmetric circumferential, 1. Also called: SKIN CREASES, MULTIPLE BENIGN RING-SHAPED, OF LIMBS; CIRCUMFERENTIAL SKIN CREASES, KUNZE TYPE; MICHELIN TIRE BABY SYNDROME; Multiple benign circumferential skin creases on limbs 1. Identifiers: MedGen C4551592, MONDO:0020738, OMIM 156610.
Complex cortical dysplasia with other brain malformations 6. Identifiers: MedGen C4014283, MONDO:0014341, OMIM 615771.

Submissions (6):

GeneDx
Classification: Pathogenic. Last evaluated: 2024-04-23. Review status: criteria provided, single submitter. Criteria: GeneDx Variant Classification Process June 2021. Collection method: clinical testing. Allele origin: germline. Affected: yes.
Comment: Published functional studies demonstrate a damaging effect (PMID: 23246003, 24833723); Not observed at significant frequency in large population cohorts (gnomAD); In silico analysis indicates that this missense variant does not alter protein structure/function; This variant is associated with the following publications: (PMID: 23246003, 24833723, 35183220, 30738969)

Genetics and Molecular Pathology, SA Pathology
Classification: Pathogenic for Complex cortical dysplasia with other brain malformations 6. Last evaluated: 2023-06-15. Review status: criteria provided, single submitter. Criteria: ACMG Guidelines, 2015. Collection method: clinical testing. Allele origin: germline. Inheritance: Autosomal dominant inheritance. Affected: yes.
Comment: The TUBB c.1201G>A variant is classified as a PATHOGENIC variant (PS2, PS3, PS4_moderate, PM2, PP3). The TUBB c.1201G>A variant is a single nucleotide change in exon 4/4 of the TUBB gene, which is predicted to change the amino acid glutamic acid at position 401 in the protein to lysine. The variant is in dbSNP (rs587777357) but is absent from population databases (PM2). Additionally, the variant has been previously detected in multiple unrelated individuals with clinical features of microcephaly and neurodevelopmental disease (PMID: 23246003, 30738969, 35183200) (PS4_moderate). Functional studies have demonstrated that this variant disrupted the morphology of cortical neurons, resulting in defects in synaptic signaling and the polymerization rates of the microtuble cytoskeleton (PMID: 23246003, 24833723) (PS3). The variant has been reported in ClinVar (Variation ID: 127191) or HGMD (Accession no.: CM1212023) as Pathogenic/ disease causing. Computational prediction support a deleterious effect on the gene or gene product (PP3). Clinical review is recommended.

3billion
Classification: Pathogenic for Skin creases, congenital symmetric circumferential, 1. Last evaluated: 2023-02-23. Review status: criteria provided, single submitter. Criteria: ACMG Guidelines, 2015. Collection method: clinical testing. Allele origin: unknown. Affected: yes.
Comment: The variant is not observed in the gnomAD v2.1.1 dataset. Missense changes are a common disease-causing mechanism. In silico tool predictions suggest damaging effect of the variant on gene or gene product (REVEL: 0.77; 3Cnet: 0.93). Same nucleotide change resulting in same amino acid change has been previously reported as pathogenic/likely pathogenic with strong evidence (ClinVar ID: VCV000127191). The variant has been previously reported as de novo in a similarly affected individual (PMID: 23246003). Therefore, this variant is classified as Pathogenic according to the recommendation of ACMG/AMP guideline.

Institute of Medical Genetics and Applied Genomics, University Hospital Tübingen
Classification: Pathogenic for Skin creases, congenital symmetric circumferential, 1. Last evaluated: 2022-08-16. Review status: criteria provided, single submitter. Criteria: ACMG Guidelines, 2015. Collection method: clinical testing. Allele origin: germline. Inheritance: Autosomal dominant inheritance. Affected: yes.

Ambry Genetics
Classification: Pathogenic for Inborn genetic diseases. Last evaluated: 2016-01-20. Review status: criteria provided, single submitter. Criteria: Ambry exome assertion method (8-5-2015). Collection method: clinical testing. Allele origin: germline. Affected: yes. Observed: 1 variant allele.

OMIM
Classification: Pathogenic for CORTICAL DYSPLASIA, COMPLEX, WITH OTHER BRAIN MALFORMATIONS 6. Last evaluated: 2012-12-27. Review status: no assertion criteria provided. Collection method: literature only. Allele origin: germline. Not counted in ClinVar's aggregate classification.

Literature cited by the submitters: PubMed 23246003 (cited by Genetics and Molecular Pathology, SA Pathology and 3billion); PubMed 24833723 (cited by Genetics and Molecular Pathology, SA Pathology); PubMed 30738969 (cited by Genetics and Molecular Pathology, SA Pathology); PubMed 35183200 (cited by Genetics and Molecular Pathology, SA Pathology); Breuss, M., Heng, J. I.-T., Poirier, K., Tian, G., Jaglin, X. H., Qu, Z., Braun, A., Gstrein, T., Ngo, L., Haas, M., Bahi-Buisson, N., Moutard, M. L., and 11 others Mutations in the beta-tubulin gene TUBB5 cause microcephaly with structural brain abnormalities. Cell Rep. 2: 1554-1562, 2012. (cited by OMIM).